The following is an entry in ClinVar:

NM_000089.4(COL1A2):c.3363G>C (p.Gln1121His)

Gene: COL1A2 (collagen type I alpha 2 chain; plus strand). Cytogenetic location: 7q21.3.
Variant type: single nucleotide variant.
Coding change: c.3363G>C on transcript NM_000089.4 (MANE Select); coding-DNA position 3363, G replaced by C.
Protein change: p.Gln1121His; replaces glutamine 1121 with histidine.
Molecular consequence: missense variant.
Genome position (GRCh38, 1-based): chr7:94,427,722, G>C. VCF-style: chr7-94427722-G-C. GRCh37 (hg19) VCF-style: chr7-94057034-G-C.
Other names: short protein forms Q1121H.
Identifiers: ClinVar variation 4791549 (VCV004791549.1).
Genomic context (GRCh38, chr7:94,427,722, plus strand): 5'-AGGTGTAAGCGGTGGTGGTTATGACTTTGGTTACGATGGAGACTTCTACAGGGCTGACCA[G>C]CCTCGCTCAGCACCTTCTCTCAGACCCAAGGACTATGAAGTTGATGCTACTCTGAAGTCT-3'
Protein context (NP_000080.2, residues 1111-1131): GYDGDFYRAD[Gln1121His]PRSAPSLRPK

ClinVar aggregate classification (germline): Uncertain significance (1 of 4 stars; one submission).

Conditions:
Ehlers-Danlos syndrome, classic type, 1 (EDSCL1). Also called: EHLERS-DANLOS SYNDROME, GRAVIS TYPE; EHLERS-DANLOS SYNDROME, SEVERE CLASSIC TYPE; Ehlers-Danlos syndrome, type 1; Ehlers-Danlos Syndrome, Classic Type, COL5A1-Related; EDS I. Identifiers: MedGen C0268335, MONDO:0019567, OMIM 130000.
Osteogenesis imperfecta type I (OI1). Also called: OI, TYPE I; OSTEOGENESIS IMPERFECTA TARDA; OSTEOGENESIS IMPERFECTA WITH BLUE SCLERAE; Osteogenesis imperfecta type 1; Lobstein's Disease; Lobstein disease. Identifiers: Orphanet 216796, Orphanet 666, MedGen C0023931, MONDO:0008146, OMIM 166200. Disease mechanism: loss of function.

Submission:

Labcorp Genetics (formerly Invitae), Labcorp
Classification: Uncertain significance for Osteogenesis imperfecta type I; Ehlers-Danlos syndrome, classic type, 1. Last evaluated: 2025-05-22. Review status: criteria provided, single submitter. Criteria: Invitae Variant Classification Sherloc (09022015). Collection method: clinical testing. Allele origin: germline.
Comment: This sequence change replaces glutamine, which is neutral and polar, with histidine, which is basic and polar, at codon 1121 of the COL1A2 protein (p.Gln1121His). This variant is not present in population databases (gnomAD no frequency). This variant has not been reported in the literature in individuals affected with COL1A2-related conditions. Invitae Evidence Modeling of protein sequence and biophysical properties (such as structural, functional, and spatial information, amino acid conservation, physicochemical variation, residue mobility, and thermodynamic stability) indicates that this missense variant is not expected to disrupt COL1A2 protein function with a negative predictive value of 80%. In summary, the available evidence is currently insufficient to determine the role of this variant in disease. Therefore, it has been classified as a Variant of Uncertain Significance.